The following is an entry in ClinVar:

ClinVar aggregate classification (germline): Likely benign. Review status: criteria provided, multiple submitters, no conflicts (2 of 4 stars). 4 submissions from 4 submitters: Likely benign (3). 1 of the submissions does not count toward it. Last evaluated 2025-12-16.

Conditions:
KATNIP-related disorder. Also called: KATNIP-related condition.

Allele frequency attached by ClinVar (database versions not stated): gnomAD exomes 0.00012 and 0.00030; ExAC 0.00030; 1000 Genomes Project 30x 0.00031; 1000 Genomes Project 0.00040; ESP Exome Variant Server 0.00046; gnomAD 0.00053 and 0.00055; TOPMed 0.00059.
gnomAD v4.1: 281 of 1,613,176 alleles (0.017%); highest among the groups gnomAD compares: African/African-American, 0.1%; 2 homozygotes.

Submissions (4):

Labcorp Genetics (formerly Invitae), Labcorp
Classification: Likely benign. Last evaluated: 2025-12-16. Review status: criteria provided, single submitter. Criteria: Invitae Variant Classification Sherloc (09022015). Collection method: clinical testing. Allele origin: germline.

Blueprint Genetics
Classification: Likely benign. Last evaluated: 2024-11-27. Review status: criteria provided, single submitter. Criteria: ACMG Guidelines, 2015. Collection method: clinical testing. Allele origin: germline.

CeGaT Center for Human Genetics Tuebingen
Classification: Likely benign. Last evaluated: 2023-06-01. Review status: criteria provided, single submitter. Criteria: CeGaT Center For Human Genetics Tuebingen Variant Classification Criteria Version 2. Collection method: clinical testing. Allele origin: germline. Affected: yes. Observed: 2 variant alleles.
Comment: KATNIP: BP4, BP7

PreventionGenetics, part of Exact Sciences
Classification: Likely benign for KATNIP-related condition. Last evaluated: 2019-08-20. Review status: no assertion criteria provided. Collection method: clinical testing. Allele origin: germline. Not counted in ClinVar's aggregate classification.
Comment: This variant is classified as likely benign based on ACMG/AMP sequence variant interpretation guidelines (Richards et al. 2015 PMID: 25741868, with internal and published modifications).

NM_015202.5(KATNIP):c.3957C>T (p.Pro1319=)

Gene: KATNIP (katanin interacting protein; plus strand). Cytogenetic location: 16p12.1.
Variant type: single nucleotide variant.
Coding change: c.3957C>T on transcript NM_015202.5 (MANE Select); coding-DNA position 3957, C replaced by T.
Protein change: p.Pro1319=; no amino-acid change (proline 1319 retained).
Molecular consequence: synonymous variant.
Genome position (GRCh38, 1-based): chr16:27,766,456, C>T. VCF-style: chr16-27766456-C-T. GRCh37 (hg19) VCF-style: chr16-27777777-C-T.
Other names: c.3957C>T (NM_015202.3).
Identifiers: ClinVar variation 747373 (VCV000747373.35), dbSNP rs138259068, ClinGen allele CA7978433.